The following is an entry in ClinVar:

NM_015991.4(C1QA):c.218C>T (p.Pro73Leu)

Gene: C1QA (complement C1q A chain; plus strand). Cytogenetic location: 1p36.12.
Variant type: single nucleotide variant.
Coding change: c.218C>T on transcript NM_015991.4 (MANE Select); coding-DNA position 218, C replaced by T.
Protein change: p.Pro73Leu; replaces proline 73 with leucine.
Molecular consequence: missense variant.
Genome position (GRCh38, 1-based): chr1:22,638,887, C>T. VCF-style: chr1-22638887-C-T. GRCh37 (hg19) VCF-style: chr1-22965380-C-T.
Other names: c.218C>T, p.Pro73Leu (NM_001347465.2, NM_001347466.2); short protein forms P73L.
Identifiers: ClinVar variation 1508434 (VCV001508434.8), dbSNP rs1347341495, ClinGen allele CA338928029.
Genomic context (GRCh38, chr1:22,638,887, plus strand): 5'-CCACAGGGGCCCCTGGCATCCGGACAGGCATCCAAGGCCTTAAAGGAGACCAGGGGGAAC[C>T]TGGGCCCTCTGGAAACCCCGGCAAGGTGGGCTACCCAGGGCCCAGCGGCCCCCTCGGAGC-3'
Protein context (NP_057075.1, residues 63-83): IQGLKGDQGE[Pro73Leu]GPSGNPGKVG

ClinVar aggregate classification (germline): Uncertain significance (1 of 4 stars; one submission).

Submission:

Labcorp Genetics (formerly Invitae), Labcorp
Classification: Uncertain significance. Last evaluated: 2021-01-19. Review status: criteria provided, single submitter. Criteria: Invitae Variant Classification Sherloc (09022015). Collection method: clinical testing. Allele origin: germline.
Comment: In summary, the available evidence is currently insufficient to determine the role of this variant in disease. Therefore, it has been classified as a Variant of Uncertain Significance. Algorithms developed to predict the effect of missense changes on protein structure and function are either unavailable or do not agree on the potential impact of this missense change (SIFT: "Tolerated"; PolyPhen-2: "Possibly Damaging"; Align-GVGD: "Class C0"). This sequence change replaces proline with leucine at codon 73 of the C1QA protein (p.Pro73Leu). The proline residue is moderately conserved and there is a moderate physicochemical difference between proline and leucine. This variant is not present in population databases (ExAC no frequency). This variant has not been reported in the literature in individuals with C1QA-related conditions.